The following is an entry in ClinVar:

ClinVar aggregate classification (germline): Likely benign. Review status: criteria provided, single submitter (1 of 4 stars). 2 submissions from 2 submitters: Likely benign (1). 1 of the submissions does not count toward it. Last evaluated 2026-01-26.

Conditions:
GPR179-related disorder. Also called: GPR179-related condition.

Allele frequency attached by ClinVar (database versions not stated): gnomAD exomes 0.00002 and 0.00003; TOPMed 0.00003; ExAC 0.00004; gnomAD 0.00004 and 0.00005; ESP Exome Variant Server 0.00008.

Submissions (2):

Labcorp Genetics (formerly Invitae), Labcorp
Classification: Likely benign. Last evaluated: 2026-01-26. Review status: criteria provided, single submitter. Criteria: Invitae Variant Classification Sherloc (09022015). Collection method: clinical testing. Allele origin: germline.

PreventionGenetics, part of Exact Sciences
Classification: Likely benign for GPR179-related condition. Last evaluated: 2019-08-07. Review status: no assertion criteria provided. Collection method: clinical testing. Allele origin: germline. Not counted in ClinVar's aggregate classification.
Comment: This variant is classified as likely benign based on ACMG/AMP sequence variant interpretation guidelines (Richards et al. 2015 PMID: 25741868, with internal and published modifications).

NM_001004334.4(GPR179):c.4881G>A (p.Ser1627=)

Gene: GPR179 (G protein-coupled receptor 179; minus strand). Cytogenetic location: 17q12.
Variant type: single nucleotide variant.
Coding change: c.4881G>A on transcript NM_001004334.4 (MANE Select); coding-DNA position 4881, G replaced by A.
Protein change: p.Ser1627=; no amino-acid change (serine 1627 retained).
Molecular consequence: synonymous variant.
Genome position (GRCh38, 1-based): chr17:38,328,688, C>T on the plus strand (G>A on the coding strand, the complement: GPR179 is on the minus strand). VCF-style: chr17-38328688-C-T. GRCh37 (hg19) VCF-style: chr17-36484571-C-T.
Other names: c.4881G>A (NM_001004334.3).
Identifiers: ClinVar variation 1638137 (VCV001638137.10), dbSNP rs373824707, ClinGen allele CA290103877.